The following is an entry in ClinVar:

ClinVar aggregate classification (germline): Uncertain significance. Review status: criteria provided, multiple submitters, no conflicts (2 of 4 stars). 2 submissions from 2 submitters: Uncertain significance (2). Last evaluated 2025-09-11.

Conditions:
Hereditary cancer-predisposing syndrome. Also called: Neoplastic Syndromes, Hereditary; Tumor predisposition; Hereditary Cancer Syndrome; Hereditary neoplastic syndrome. Identifiers: Orphanet 140162, MedGen C0027672, MeSH D009386, MONDO:0015356.
Medulloblastoma (MDB). Also called: MEDULLOBLASTOMA PREDISPOSITION SYNDROME; Medulloblastoma, somatic. Identifiers: Orphanet 616, MedGen C0025149, MeSH D008527, MONDO:0007959, OMIM 155255, HP:0002885.
Gorlin syndrome. Also called: Nevoid Basal Cell Carcinoma Syndrome; Basal cell nevus syndrome. Identifiers: Orphanet 377, MedGen C0004779, MONDO:0007187.

Allele frequency attached by ClinVar (database versions not stated): ExAC 0.00002.
gnomAD v4.1: 4 of 1,614,118 alleles (0.00025%); highest among the groups gnomAD compares: Non-Finnish European, 0.00034%; no homozygotes.

Submissions (2):

Labcorp Genetics (formerly Invitae), Labcorp
Classification: Uncertain significance for Gorlin syndrome; Medulloblastoma. Last evaluated: 2025-09-11. Review status: criteria provided, single submitter. Criteria: Invitae Variant Classification Sherloc (09022015). Collection method: clinical testing. Allele origin: germline.
Comment: This sequence change replaces proline, which is neutral and non-polar, with serine, which is neutral and polar, at codon 46 of the SUFU protein (p.Pro46Ser). This variant is present in population databases (rs748377573, gnomAD 0.002%). This variant has not been reported in the literature in individuals affected with SUFU-related conditions. ClinVar contains an entry for this variant (Variation ID: 2926958). Invitae Evidence Modeling of protein sequence and biophysical properties (such as structural, functional, and spatial information, amino acid conservation, physicochemical variation, residue mobility, and thermodynamic stability) indicates that this missense variant is not expected to disrupt SUFU protein function with a negative predictive value of 80%. In summary, the available evidence is currently insufficient to determine the role of this variant in disease. Therefore, it has been classified as a Variant of Uncertain Significance.

Ambry Genetics
Classification: Uncertain significance for Hereditary cancer-predisposing syndrome. Last evaluated: 2024-03-21. Review status: criteria provided, single submitter. Criteria: Ambry Variant Classification Scheme 2023. Collection method: clinical testing. Allele origin: germline.
Comment: The p.P46S variant (also known as c.136C>T), located in coding exon 1 of the SUFU gene, results from a C to T substitution at nucleotide position 136. The proline at codon 46 is replaced by serine, an amino acid with similar properties. This amino acid position is conserved. In addition, this alteration is predicted to be deleterious by in silico analysis. Based on the available evidence, the clinical significance of this alteration remains unclear.

NM_016169.4(SUFU):c.136C>T (p.Pro46Ser)

Gene: SUFU (SUFU negative regulator of hedgehog signaling; plus strand). Cytogenetic location: 10q24.32.
Variant type: single nucleotide variant.
Coding change: c.136C>T on transcript NM_016169.4 (MANE Select); coding-DNA position 136, C replaced by T.
Protein change: p.Pro46Ser; replaces proline 46 with serine.
Molecular consequence: missense variant.
Genome position (GRCh38, 1-based): chr10:102,504,288, C>T. VCF-style: chr10-102504288-C-T. GRCh37 (hg19) VCF-style: chr10-104264045-C-T.
Other names: c.136C>T, p.Pro46Ser (NM_001178133.2); short protein forms P46S.
Identifiers: ClinVar variation 2926958 (VCV002926958.4), dbSNP rs748377573, ClinGen allele CA5667600.